The following is an entry in ClinVar:

ClinVar aggregate classification (germline): Likely benign. Review status: criteria provided, multiple submitters, no conflicts (2 of 4 stars). 2 submissions from 2 submitters: Likely benign (2). Last evaluated 2025-10-26.

Allele frequency attached by ClinVar (database versions not stated): 1000 Genomes Project 30x 0.00031; ExAC 0.00076.
gnomAD v4.1: 238 of 1,515,428 alleles (0.016%); highest among the groups gnomAD compares: East Asian, 0.12%; 1 homozygote.

Submissions (2):

Labcorp Genetics (formerly Invitae), Labcorp
Classification: Likely benign. Last evaluated: 2025-10-26. Review status: criteria provided, single submitter. Criteria: Invitae Variant Classification Sherloc (09022015). Collection method: clinical testing. Allele origin: germline.

CeGaT Center for Human Genetics Tuebingen
Classification: Likely benign. Last evaluated: 2025-06-01. Review status: criteria provided, single submitter. Criteria: CeGaT Center For Human Genetics Tuebingen Variant Classification Criteria Version 2. Collection method: clinical testing. Allele origin: germline. Affected: yes. Observed: 2 variant alleles.
Comment: CDK13: BP4, BP7

NM_003718.5(CDK13):c.729C>G (p.Ala243=)

Gene: CDK13 (cyclin dependent kinase 13; plus strand). Cytogenetic location: 7p14.1.
Variant type: single nucleotide variant.
Coding change: c.729C>G on transcript NM_003718.5 (MANE Select); coding-DNA position 729, C replaced by G.
Protein change: p.Ala243=; no amino-acid change (alanine 243 retained).
Molecular consequence: synonymous variant.
Genome position (GRCh38, 1-based): chr7:39,951,370, C>G. VCF-style: chr7-39951370-C-G. GRCh37 (hg19) VCF-style: chr7-39990969-C-G.
Other names: c.729C>G, p.Ala243= (NM_031267.4).
Identifiers: ClinVar variation 2200680 (VCV002200680.28), dbSNP rs773945365, ClinGen allele CA4228321.
Genomic context (GRCh38, chr7:39,951,370, plus strand): 5'-CGGTGGCAGCGAGGCCTCCAAGTCCCGCAGCCGCCACAGCCACAGCGGCGAGGAACGGGC[C>G]GAGGTCGCCAAGAGCGGCAGCAGCAGCAGCAGCGGCGGCCGCCGGAAAAGCGCTTCGGCC-3'
Protein context (NP_003709.3, residues 233-253): SRHSHSGEER[Ala243=]EVAKSGSSSS